The following is an entry in ClinVar:

NM_004329.3(BMPR1A):c.985A>G (p.Arg329Gly)

Gene: BMPR1A (bone morphogenetic protein receptor type 1A; plus strand). Cytogenetic location: 10q23.2.
Variant type: single nucleotide variant.
Coding change: c.985A>G on transcript NM_004329.3 (MANE Select); coding-DNA position 985, A replaced by G.
Protein change: p.Arg329Gly; replaces arginine 329 with glycine.
Molecular consequence: missense variant. On other transcripts: non-coding transcript variant (3).
Genome position (GRCh38, 1-based): chr10:86,919,288, A>G. VCF-style: chr10-86919288-A-G. GRCh37 (hg19) VCF-style: chr10-88679045-A-G.
Other names: c.1060A>G, p.Arg354Gly (NM_001406559.1); c.1033A>G, p.Arg345Gly (NM_001406560.1); c.985A>G, p.Arg329Gly (NM_001406561.1, NM_001406562.1, NM_001406563.1 and 19 more transcripts); c.901A>G, p.Arg301Gly (NM_001406587.1, NM_001406588.1, NM_001406584.1 and 2 more transcripts); c.643A>G, p.Arg215Gly (NM_001406589.1); c.979A>G, p.Arg327Gly (NM_001406583.1); short protein forms R327G, R215G, R301G, R345G, R354G, R329G.
Identifiers: ClinVar variation 4842483 (VCV004842483.1).

ClinVar aggregate classification (germline): Uncertain significance (1 of 4 stars; one submission).

Conditions:
Hereditary cancer-predisposing syndrome. Also called: Neoplastic Syndromes, Hereditary; Tumor predisposition; Hereditary Cancer Syndrome; Hereditary neoplastic syndrome. Identifiers: Orphanet 140162, MedGen C0027672, MeSH D009386, MONDO:0015356.

Submission:

Ambry Genetics
Classification: Uncertain significance for Hereditary cancer-predisposing syndrome. Last evaluated: 2025-12-29. Review status: criteria provided, single submitter. Criteria: Ambry Variant Classification Scheme 2023. Collection method: clinical testing. Allele origin: germline.
Comment: The p.R329G variant (also known as c.985A>G), located in coding exon 8 of the BMPR1A gene, results from an A to G substitution at nucleotide position 985. The arginine at codon 329 is replaced by glycine, an amino acid with dissimilar properties. This amino acid position is conserved. In addition, this alteration is predicted to be tolerated by in silico analysis. Based on the available evidence, the clinical significance of this variant remains unclear.